The following is an entry in ClinVar:

NM_020247.5(COQ8A):c.891C>G (p.Phe297Leu)

Gene: COQ8A (coenzyme Q8A; plus strand). Cytogenetic location: 1q42.13.
Variant type: single nucleotide variant.
Coding change: c.891C>G on transcript NM_020247.5 (MANE Select); coding-DNA position 891, C replaced by G.
Protein change: p.Phe297Leu; replaces phenylalanine 297 with leucine.
Molecular consequence: missense variant.
Genome position (GRCh38, 1-based): chr1:226,982,715, C>G. VCF-style: chr1-226982715-C-G. GRCh37 (hg19) VCF-style: chr1-227170416-C-G.
Other names: short protein forms F297L.
Identifiers: ClinVar variation 2015586 (VCV002015586.2), dbSNP rs55968053, ClinGen allele CA345052317.

ClinVar aggregate classification (germline): Uncertain significance (1 of 4 stars; one submission).

gnomAD v4.1: 4 of 1,613,568 alleles (0.00025%); highest among the groups gnomAD compares: Non-Finnish European, 0.00034%; no homozygotes.

Submission:

Labcorp Genetics (formerly Invitae), Labcorp
Classification: Uncertain significance. Last evaluated: 2022-07-09. Review status: criteria provided, single submitter. Criteria: Invitae Variant Classification Sherloc (09022015). Collection method: clinical testing. Allele origin: germline.
Comment: In summary, the available evidence is currently insufficient to determine the role of this variant in disease. Therefore, it has been classified as a Variant of Uncertain Significance. Advanced modeling of protein sequence and biophysical properties (such as structural, functional, and spatial information, amino acid conservation, physicochemical variation, residue mobility, and thermodynamic stability) performed at Invitae indicates that this missense variant is not expected to disrupt COQ8A protein function. This variant has not been reported in the literature in individuals affected with COQ8A-related conditions. This variant is not present in population databases (gnomAD no frequency). This sequence change replaces phenylalanine, which is neutral and non-polar, with leucine, which is neutral and non-polar, at codon 297 of the COQ8A protein (p.Phe297Leu).